The following is an entry in ClinVar:

ClinVar aggregate classification (germline): Uncertain significance. Review status: criteria provided, multiple submitters, no conflicts (2 of 4 stars). 5 submissions from 5 submitters: Uncertain significance (5). Last evaluated 2025-11-03.

Conditions:
Cardiovascular phenotype. Identifiers: MedGen CN230736.
Cardiomyopathy (CMYO). Also called: Cardiomyopathies. Identifiers: Orphanet 167848, MedGen C0878544, MONDO:0004994, HP:0001638. Inheritance: Various modes of inheritance.
Arrhythmogenic right ventricular cardiomyopathy (ARVD). Also called: Cardiomyopathy, ARVC; Arrhythmogenic right ventricular dysplasia; Arrhythmogenic cardiomyopathy; Arrhythmogenic Right Ventricular Cardiomyopathy (ARVC). Identifiers: Orphanet 247, MedGen C0349788, MeSH D019571, MONDO:0016587. Disease mechanism: loss of function. Inheritance: Various modes of inheritance.
Arrhythmogenic right ventricular dysplasia 9 (ARVD9). Also called: Arrhythmogenic Right Ventricular Dysplasia/Cardiomyopathy 9; ARRHYTHMOGENIC RIGHT VENTRICULAR DYSPLASIA, FAMILIAL, 9. Identifiers: MedGen C1836906, MONDO:0012180, OMIM 609040.

Allele frequency attached by ClinVar (database versions not stated): gnomAD 0.00001; ESP Exome Variant Server 0.00008.
gnomAD v4.1: 26 of 1,613,776 alleles (0.0016%); highest among the groups gnomAD compares: South Asian, 0.015%; no homozygotes.

Submissions (5):

Labcorp Genetics (formerly Invitae), Labcorp
Classification: Uncertain significance for Arrhythmogenic right ventricular dysplasia 9. Last evaluated: 2025-11-03. Review status: criteria provided, single submitter. Criteria: Invitae Variant Classification Sherloc (09022015). Collection method: clinical testing. Allele origin: germline.
Comment: This sequence change replaces glutamic acid, which is acidic and polar, with lysine, which is basic and polar, at codon 361 of the PKP2 protein (p.Glu361Lys). This variant is present in population databases (rs375404471, gnomAD 0.02%). This variant has not been reported in the literature in individuals affected with PKP2-related conditions. ClinVar contains an entry for this variant (Variation ID: 1723366). An algorithm developed to predict the effect of missense changes on protein structure and function (PolyPhen-2) suggests that this variant is likely to be tolerated. In summary, the available evidence is currently insufficient to determine the role of this variant in disease. Therefore, it has been classified as a Variant of Uncertain Significance.

Color Diagnostics, LLC DBA Color Health
Classification: Uncertain significance for Cardiomyopathy. Last evaluated: 2024-03-06. Review status: criteria provided, single submitter. Criteria: ACMG Guidelines, 2015. Collection method: clinical testing. Allele origin: germline.
Comment: This missense variant replaces glutamic acid with lysine at codon 361 of the PKP2 protein. Computational prediction suggests that this variant may not impact protein structure and function (internally defined REVEL score threshold <= 0.5, PMID: 27666373). To our knowledge, functional studies have not been reported for this variant. This variant has not been reported in individuals affected with cardiovascular disorders in the literature. This variant has been identified in 9/251286 chromosomes in the general population by the Genome Aggregation Database (gnomAD). The available evidence is insufficient to determine the role of this variant in disease conclusively. Therefore, this variant is classified as a Variant of Uncertain Significance.

Ambry Genetics
Classification: Uncertain significance for Cardiovascular phenotype. Last evaluated: 2023-12-07. Review status: criteria provided, single submitter. Criteria: Ambry Variant Classification Scheme 2023. Collection method: clinical testing. Allele origin: germline.
Comment: The p.E361K variant (also known as c.1081G>A), located in coding exon 4 of the PKP2 gene, results from a G to A substitution at nucleotide position 1081. The glutamic acid at codon 361 is replaced by lysine, an amino acid with similar properties. This amino acid position is conserved. In addition, this alteration is predicted to be tolerated by in silico analysis. Since supporting evidence is limited at this time, the clinical significance of this alteration remains unclear.

All of Us Research Program, National Institutes of Health
Classification: Uncertain significance for Arrhythmogenic right ventricular cardiomyopathy. Last evaluated: 2023-10-02. Review status: criteria provided, single submitter. Criteria: ACMG Guidelines, 2015. Collection method: clinical testing. Allele origin: germline. Inheritance: Autosomal dominant inheritance. Observed: 2 variant alleles, 2 heterozygotes.
Comment: This missense variant replaces glutamic acid with lysine at codon 361 of the PKP2 protein. Computational prediction suggests that this variant may not impact protein structure and function (internally defined REVEL score threshold <= 0.5, PMID: 27666373). To our knowledge, functional studies have not been reported for this variant. This variant has not been reported in individuals affected with cardiovascular disorders in the literature. This variant has been identified in 9/251286 chromosomes in the general population by the Genome Aggregation Database (gnomAD). The available evidence is insufficient to determine the role of this variant in disease conclusively. Therefore, this variant is classified as a Variant of Uncertain Significance.

This study involves interpretation of variants in research participants for the purpose of population health screening. Participant phenotype was not available at the time of variant classification. Additional details can be found in publication PMID: 35346344, PMCID: PMC8962531

Women's Health and Genetics/Laboratory Corporation of America, LabCorp
Classification: Uncertain significance. Last evaluated: 2022-10-22. Review status: criteria provided, single submitter. Criteria: LabCorp Variant Classification Summary - May 2015. Collection method: clinical testing. Allele origin: germline.

NM_001005242.3(PKP2):c.1081G>A (p.Glu361Lys)

Gene: PKP2 (plakophilin 2; minus strand). Cytogenetic location: 12p11.21.
Variant type: single nucleotide variant.
Coding change: c.1081G>A on transcript NM_001005242.3 (MANE Select); coding-DNA position 1081, G replaced by A.
Protein change: p.Glu361Lys; replaces glutamic acid 361 with lysine.
Molecular consequence: missense variant.
Genome position (GRCh38, 1-based): chr12:32,869,016, C>T on the plus strand (G>A on the coding strand, the complement: PKP2 is on the minus strand). VCF-style: chr12-32869016-C-T. GRCh37 (hg19) VCF-style: chr12-33021950-C-T.
Other names: c.1081G>A, p.Glu361Lys (NM_001407155.1, NM_001407156.1, NM_001407157.1 and 2 more transcripts); c.754G>A, p.Glu252Lys (NM_001407158.1, NM_001407159.1, NM_001407160.1 and 1 more transcripts); short protein forms E252K, E361K.
Identifiers: ClinVar variation 1723366 (VCV001723366.9), dbSNP rs375404471, ClinGen allele CA027004.